The following is an entry in ClinVar:

NM_138927.4(SON):c.868A>G (p.Met290Val)

Gene: SON (SON DNA and RNA binding protein; plus strand). Cytogenetic location: 21q22.11.
Variant type: single nucleotide variant.
Coding change: c.868A>G on transcript NM_138927.4 (MANE Select); coding-DNA position 868, A replaced by G.
Protein change: p.Met290Val; replaces methionine 290 with valine.
Molecular consequence: missense variant. On other transcripts: non-coding transcript variant (1), intron variant (1).
Genome position (GRCh38, 1-based): chr21:33,550,099, A>G. VCF-style: chr21-33550099-A-G. GRCh37 (hg19) VCF-style: chr21-34922405-A-G.
Other names: c.868A>G, p.Met290Val (NM_001291411.2, NM_001412133.1, NM_032195.3 and 2 more transcripts); c.244+3720A>G (NM_001291412.3); short protein forms M290V.
Identifiers: ClinVar variation 1940152 (VCV001940152.6), dbSNP rs756699448, ClinGen allele CA10008767.

ClinVar aggregate classification (germline): Uncertain significance. Review status: criteria provided, multiple submitters, no conflicts (2 of 4 stars). 2 submissions from 2 submitters: Uncertain significance (2). Last evaluated 2023-06-22.

Conditions:
ZTTK syndrome (ZTTKS). Also called: ZTTK MULTIPLE CONGENITAL ANOMALIES-MENTAL RETARDATION SYNDROME; Zhu-Tokita-Takenouchi-Kim Syndrome. Identifiers: Orphanet 500150, MedGen C4310696, MONDO:0014936, OMIM 617140.

Allele frequency attached by ClinVar (database versions not stated): gnomAD exomes below 0.00001; ExAC 0.00001.

Submissions (2):

Neuberg Centre For Genomic Medicine, NCGM
Classification: Uncertain significance for ZTTK syndrome. Last evaluated: 2023-06-22. Review status: criteria provided, single submitter. Criteria: ACMG Guidelines, 2015. Collection method: clinical testing. Allele origin: germline. Inheritance: Autosomal dominant inheritance. Affected: yes.
Comment: The observed missense c.868A>G(p.Met290Val) variant in SON gene has not been reported previously as a pathogenic variant nor as a benign variant, to our knowledge. This variant is reported with the allele frequency of 0.0004% in the gnomAD Exomes. This variant has been reported to the ClinVar database as Uncertain Significance. However, no details are available for independent assessment. The amino acid Met at position 290 is changed to a Val changing protein sequence and it might alter its composition and physico-chemical properties. The amino acid change p.Met290Val in SON is predicted as conserved by GERP++ and PhyloP across 100 vertebrates. Computational evidence (Polyphen - Benign, SIFT - Tolerated, and MutationTaster - Polymorphism) predicts conflicting evidence on protein structure and function for this variant. For these reasons, this variant has been classified as Uncertain Significance.

Labcorp Genetics (formerly Invitae), Labcorp
Classification: Uncertain significance. Last evaluated: 2022-07-23. Review status: criteria provided, single submitter. Criteria: Invitae Variant Classification Sherloc (09022015). Collection method: clinical testing. Allele origin: germline.
Comment: In summary, the available evidence is currently insufficient to determine the role of this variant in disease. Therefore, it has been classified as a Variant of Uncertain Significance. Algorithms developed to predict the effect of missense changes on protein structure and function output the following: SIFT: "Tolerated"; PolyPhen-2: "Benign"; Align-GVGD: "Class C0". The valine amino acid residue is found in multiple mammalian species, which suggests that this missense change does not adversely affect protein function. This variant has not been reported in the literature in individuals affected with SON-related conditions. This variant is present in population databases (rs756699448, gnomAD 0.0009%). This sequence change replaces methionine, which is neutral and non-polar, with valine, which is neutral and non-polar, at codon 290 of the SON protein (p.Met290Val).